The following is an entry in ClinVar:

NM_052947.4(ALPK2):c.718T>C (p.Ser240Pro)

Genes: ALPK2 (alpha kinase 2; minus strand), LOC114803473 (ALPK2 eExon liver enhancer; plus strand). Cytogenetic location: 18q21.31.
Variant type: single nucleotide variant.
Coding change: c.718T>C on transcript NM_052947.4 (MANE Select); coding-DNA position 718, T replaced by C.
Protein change: p.Ser240Pro; replaces serine 240 with proline.
Molecular consequence: missense variant.
Genome position (GRCh38, 1-based): chr18:58,580,058, A>G on the plus strand (T>C on the coding strand, the complement: ALPK2 is on the minus strand). VCF-style: chr18-58580058-A-G. GRCh37 (hg19) VCF-style: chr18-56247290-A-G.
Other names: short protein forms S240P.
Identifiers: ClinVar variation 3228866 (VCV003228866.1), dbSNP rs2518899905, ClinGen allele CA402567361.

ClinVar aggregate classification (germline): Uncertain significance (1 of 4 stars; one submission).

Submission:

Ambry Genetics
Classification: Uncertain significance. Last evaluated: 2024-01-11. Review status: criteria provided, single submitter. Criteria: Ambry Variant Classification Scheme 2023. Collection method: clinical testing. Allele origin: germline.
Comment: The p.S240P variant (also known as c.718T>C), located in coding exon 3 of the ALPK2 gene, results from a T to C substitution at nucleotide position 718. The serine at codon 240 is replaced by proline, an amino acid with similar properties. This amino acid position is conserved. In addition, this alteration is predicted to be tolerated by in silico analysis. Since supporting evidence is limited at this time, the clinical significance of this alteration remains unclear.